The following is an entry in ClinVar:

NM_203446.3(SYNJ1):c.*349T>C

Gene: SYNJ1 (synaptojanin 1; minus strand). Cytogenetic location: 21q22.11.
Variant type: single nucleotide variant.
Coding change: c.*349T>C on transcript NM_203446.3 (MANE Select); 349 bases downstream of the stop codon, T replaced by C.
Molecular consequence: 3 prime UTR variant. On other transcripts: missense variant (2).
Genome position (GRCh38, 1-based): chr21:32,631,456, A>G on the plus strand (T>C on the coding strand, the complement: SYNJ1 is on the minus strand). VCF-style: chr21-32631456-A-G. GRCh37 (hg19) VCF-style: chr21-34003766-A-G.
Other names: c.*349T>C (NM_001160302.2); c.4120T>C, p.Ser1374Pro (NM_001160306.2); c.4378T>C, p.Ser1460Pro (NM_003895.4); short protein forms S1460P, S1374P.
Identifiers: ClinVar variation 2145790 (VCV002145790.4), dbSNP rs1180983796, ClinGen allele CA410081815.

ClinVar aggregate classification (germline): Uncertain significance (1 of 4 stars; one submission).

Conditions:
Developmental and epileptic encephalopathy, 53. Also called: Epileptic encephalopathy, early infantile, 53. Identifiers: MedGen C4479313, MONDO:0033362, OMIM 617389.
Early-onset Parkinson disease 20. Also called: PARKINSON DISEASE 20, AUTOSOMAL RECESSIVE EARLY-ONSET. Identifiers: Orphanet 391411, MedGen C3809824, MONDO:0014233, OMIM 615530.

Allele frequency attached by ClinVar (database versions not stated): gnomAD 0.00001.
gnomAD v4.1: 3 of 1,614,032 alleles (0.00019%); highest among the groups gnomAD compares: African/African-American, 0.0013%; no homozygotes.

Submission:

Labcorp Genetics (formerly Invitae), Labcorp
Classification: Uncertain significance for Developmental and epileptic encephalopathy, 53; Early-onset Parkinson disease 20. Last evaluated: 2022-05-17. Review status: criteria provided, single submitter. Criteria: Invitae Variant Classification Sherloc (09022015). Collection method: clinical testing. Allele origin: germline.
Comment: In summary, the available evidence is currently insufficient to determine the role of this variant in disease. Therefore, it has been classified as a Variant of Uncertain Significance. Algorithms developed to predict the effect of missense changes on protein structure and function output the following: SIFT: "Deleterious"; PolyPhen-2: "Benign"; Align-GVGD: "Class C0". The proline amino acid residue is found in multiple mammalian species, which suggests that this missense change does not adversely affect protein function. This variant has not been reported in the literature in individuals affected with SYNJ1-related conditions. This variant is present in population databases (no rsID available, gnomAD 0.01%). This sequence change replaces serine, which is neutral and polar, with proline, which is neutral and non-polar, at codon 1460 of the SYNJ1 protein (p.Ser1460Pro).